The following is an entry in ClinVar:

NM_002485.5(NBN):c.359T>C (p.Leu120Ser)

Gene: NBN (nibrin; minus strand). Cytogenetic location: 8q21.3.
Variant type: single nucleotide variant.
Coding change: c.359T>C on transcript NM_002485.5 (MANE Select); coding-DNA position 359, T replaced by C.
Protein change: p.Leu120Ser; replaces leucine 120 with serine.
Molecular consequence: missense variant.
Genome position (GRCh38, 1-based): chr8:89,980,855, A>G on the plus strand (T>C on the coding strand, the complement: NBN is on the minus strand). VCF-style: chr8-89980855-A-G. GRCh37 (hg19) VCF-style: chr8-90993083-A-G.
Other names: c.113T>C, p.Leu38Ser (NM_001024688.3); short protein forms L120S, L38S.
Identifiers: ClinVar variation 581256 (VCV000581256.15), dbSNP rs1563579387, ClinGen allele CA371662088.

ClinVar aggregate classification (germline): Uncertain significance. Review status: criteria provided, multiple submitters, no conflicts (2 of 4 stars). 2 submissions from 2 submitters: Uncertain significance (2). Last evaluated 2025-09-20.

Conditions:
Microcephaly, normal intelligence and immunodeficiency (NBS). Also called: BERLIN BREAKAGE SYNDROME; SEEMANOVA SYNDROME II; Ataxia telangiectasia variant V1; IMMUNODEFICIENCY, MICROCEPHALY, AND CHROMOSOMAL INSTABILITY; Immunodeficiency, microcephaly with normal intelligence; Nijmegen breakage syndrome. Identifiers: Orphanet 647, MedGen C0398791, MONDO:0009623, OMIM 251260.
Hereditary cancer-predisposing syndrome. Also called: Hereditary neoplastic syndrome; Tumor predisposition; Hereditary Cancer Syndrome; Neoplastic Syndromes, Hereditary. Identifiers: Orphanet 140162, MedGen C0027672, MeSH D009386, MONDO:0015356.

Allele frequency attached by ClinVar (database versions not stated): gnomAD exomes below 0.00001.
gnomAD v4.1: 4 of 1,612,498 alleles (0.00025%); highest among the groups gnomAD compares: Non-Finnish European, 0.00034%; no homozygotes.

Submissions (2):

Ambry Genetics
Classification: Uncertain significance for Hereditary cancer-predisposing syndrome. Last evaluated: 2025-09-20. Review status: criteria provided, single submitter. Criteria: Ambry Variant Classification Scheme 2023. Collection method: clinical testing. Allele origin: germline.
Comment: The p.L120S variant (also known as c.359T>C), located in coding exon 4 of the NBN gene, results from a T to C substitution at nucleotide position 359. The leucine at codon 120 is replaced by serine, an amino acid with dissimilar properties. This amino acid position is highly conserved in available vertebrate species. In addition, this alteration is predicted to be deleterious by in silico analysis. Since supporting evidence is limited at this time, the clinical significance of this alteration remains unclear.

Labcorp Genetics (formerly Invitae), Labcorp
Classification: Uncertain significance for Microcephaly, normal intelligence and immunodeficiency. Last evaluated: 2023-11-14. Review status: criteria provided, single submitter. Criteria: Invitae Variant Classification Sherloc (09022015). Collection method: clinical testing. Allele origin: germline.
Comment: This sequence change replaces leucine, which is neutral and non-polar, with serine, which is neutral and polar, at codon 120 of the NBN protein (p.Leu120Ser). This variant is not present in population databases (gnomAD no frequency). This variant has not been reported in the literature in individuals affected with NBN-related conditions. ClinVar contains an entry for this variant (Variation ID: 581256). An algorithm developed to predict the effect of missense changes on protein structure and function (PolyPhen-2) suggests that this variant is likely to be disruptive. In summary, the available evidence is currently insufficient to determine the role of this variant in disease. Therefore, it has been classified as a Variant of Uncertain Significance.